The following is an entry in ClinVar:

ClinVar aggregate classification (germline): Uncertain significance. Review status: criteria provided, multiple submitters, no conflicts (2 of 4 stars). 2 submissions from 2 submitters: Uncertain significance (2). Last evaluated 2025-06-18.

Conditions:
Inborn genetic diseases. Identifiers: MedGen C0950123, MeSH D030342.
Nemaline myopathy 2 (NEM2). Also called: Nemaline myopathy 2, autosomal recessive. Identifiers: MedGen C1850569, MONDO:0009725, OMIM 256030.

Allele frequency attached by ClinVar (database versions not stated): gnomAD 0.00001; TOPMed 0.00001.
gnomAD v4.1: 65 of 1,606,988 alleles (0.004%); highest among the groups gnomAD compares: Non-Finnish European, 0.0055%; no homozygotes.

Submissions (2):

Ambry Genetics
Classification: Uncertain significance for Inborn genetic diseases. Last evaluated: 2025-06-18. Review status: criteria provided, single submitter. Criteria: Ambry Variant Classification Scheme 2023. Collection method: clinical testing. Allele origin: germline.

Labcorp Genetics (formerly Invitae), Labcorp
Classification: Uncertain significance for Nemaline myopathy 2. Last evaluated: 2022-07-20. Review status: criteria provided, single submitter. Criteria: Invitae Variant Classification Sherloc (09022015). Collection method: clinical testing. Allele origin: germline.
Comment: This sequence change replaces threonine, which is neutral and polar, with serine, which is neutral and polar, at codon 7777 of the NEB protein (p.Thr7777Ser). This variant is present in population databases (no rsID available, gnomAD 0.0009%). This variant has not been reported in the literature in individuals affected with NEB-related conditions. Algorithms developed to predict the effect of missense changes on protein structure and function are either unavailable or do not agree on the potential impact of this missense change (SIFT: "Deleterious"; PolyPhen-2: "Not Available"; Align-GVGD: "Class C0"). In summary, the available evidence is currently insufficient to determine the role of this variant in disease. Therefore, it has been classified as a Variant of Uncertain Significance.

NM_001164508.2(NEB):c.23225C>G (p.Thr7742Ser)

Genes: NEB (nebulin; minus strand), RIF1 (replication timing regulatory factor 1; plus strand). Cytogenetic location: 2q23.3.
Variant type: single nucleotide variant.
Coding change: c.23225C>G on transcript NM_001164508.2 (MANE Select); coding-DNA position 23225, C replaced by G.
Protein change: p.Thr7742Ser; replaces threonine 7742 with serine.
Molecular consequence: missense variant.
Genome position (GRCh38, 1-based): chr2:151,513,596, G>C on the plus strand (C>G on the coding strand, the complement: NEB is on the minus strand). VCF-style: chr2-151513596-G-C. GRCh37 (hg19) VCF-style: chr2-152370110-G-C.
Other names: c.18122C>G (NM_004543.4); c.23225C>G, p.Thr7742Ser (NM_001164507.2); c.23330C>G, p.Thr7777Ser (NM_001271208.2); c.18122C>G, p.Thr6041Ser (NM_004543.5); short protein forms T7742S, T6041S, T7777S.
Identifiers: ClinVar variation 2057582 (VCV002057582.2), dbSNP rs1472315374, ClinGen allele CA348751032.
Genomic context (GRCh38, chr2:151,513,596, plus strand): 5'-ACAACTACTTTCCTGAAAGATTGACATCGAATAGTAGCACTGACCTGACTGGCAATATCA[G>C]TAGCATTCCTGGCCCTCATAAAATCCGGAGTTTCATTGGCCATGGCATTCAGGCCTCTTC-3'
Protein context (NP_001157980.2, residues 7732-7752): TPDFMRARNA[Thr7742Ser]DIASQIKYKQ